The following is an entry in ClinVar:

ClinVar aggregate classification (germline): Likely benign (0 of 4 stars; one submission).

Conditions:
HIVEP1-related disorder. Also called: HIVEP1-related condition.

Allele frequency attached by ClinVar (database versions not stated): gnomAD exomes 0.00005; 1000 Genomes Project 30x 0.00016; ExAC 0.00016; 1000 Genomes Project 0.00020; gnomAD 0.00059; ESP Exome Variant Server 0.00066; TOPMed 0.00071.
gnomAD v4.1: 174 of 1,614,250 alleles (0.011%); highest among the groups gnomAD compares: African/African-American, 0.2%; no homozygotes.

Submission:

PreventionGenetics, part of Exact Sciences
Classification: Likely benign for HIVEP1-related condition. Last evaluated: 2022-08-29. Review status: no assertion criteria provided. Collection method: clinical testing. Allele origin: germline.
Comment: This variant is classified as likely benign based on ACMG/AMP sequence variant interpretation guidelines (Richards et al. 2015 PMID: 25741868, with internal and published modifications).

NM_002114.4(HIVEP1):c.915A>G (p.Ser305=)

Gene: HIVEP1 (HIVEP zinc finger 1; plus strand). Cytogenetic location: 6p24.1.
Variant type: single nucleotide variant.
Coding change: c.915A>G on transcript NM_002114.4 (MANE Select); coding-DNA position 915, A replaced by G.
Protein change: p.Ser305=; no amino-acid change (serine 305 retained).
Molecular consequence: synonymous variant.
Genome position (GRCh38, 1-based): chr6:12,120,710, A>G. VCF-style: chr6-12120710-A-G. GRCh37 (hg19) VCF-style: chr6-12120943-A-G.
Identifiers: ClinVar variation 3052158 (VCV003052158.2), dbSNP rs200367172, ClinGen allele CA3637130.